The following is an entry in ClinVar:

NM_001256789.3(CACNA1F):c.1231G>A (p.Ala411Thr)

Gene: CACNA1F (calcium voltage-gated channel subunit alpha1 F; minus strand). Cytogenetic location: Xp11.23.
Variant type: single nucleotide variant.
Coding change: c.1231G>A on transcript NM_001256789.3 (MANE Select); coding-DNA position 1231, G replaced by A.
Protein change: p.Ala411Thr; replaces alanine 411 with threonine.
Molecular consequence: missense variant.
Genome position (GRCh38, 1-based): chrX:49,227,015, C>T on the plus strand (G>A on the coding strand, the complement: CACNA1F is on the minus strand). VCF-style: chrX-49227015-C-T. GRCh37 (hg19) VCF-style: chrX-49083477-C-T.
Other names: c.1036G>A, p.Ala346Thr (NM_001256790.3); c.1231G>A, p.Ala411Thr (NM_005183.4); short protein forms A411T, A346T.
Identifiers: ClinVar variation 2903831 (VCV002903831.3), dbSNP rs782303274, ClinGen allele CA329123863.

ClinVar aggregate classification (germline): Uncertain significance (1 of 4 stars; one submission).

Allele frequency attached by ClinVar (database versions not stated): gnomAD 0.00001; gnomAD exomes 0.00001; TOPMed 0.00001.

Submission:

Labcorp Genetics (formerly Invitae), Labcorp
Classification: Uncertain significance. Last evaluated: 2022-11-01. Review status: criteria provided, single submitter. Criteria: Invitae Variant Classification Sherloc (09022015). Collection method: clinical testing. Allele origin: germline.
Comment: This sequence change replaces alanine, which is neutral and non-polar, with threonine, which is neutral and polar, at codon 411 of the CACNA1F protein (p.Ala411Thr). This variant is not present in population databases (gnomAD no frequency). This variant has not been reported in the literature in individuals affected with CACNA1F-related conditions. Advanced modeling of protein sequence and biophysical properties (such as structural, functional, and spatial information, amino acid conservation, physicochemical variation, residue mobility, and thermodynamic stability) performed at Invitae indicates that this missense variant is expected to disrupt CACNA1F protein function. In summary, the available evidence is currently insufficient to determine the role of this variant in disease. Therefore, it has been classified as a Variant of Uncertain Significance.